The following is an entry in ClinVar:

ClinVar aggregate classification (germline): Pathogenic (1 of 4 stars; one submission).

Conditions:
Severe combined immunodeficiency due to DCLRE1C deficiency (RS-SCID). Also called: SCID, AUTOSOMAL RECESSIVE, T CELL-NEGATIVE, B CELL-NEGATIVE, NK CELL-POSITIVE, WITH SENSITIVITY TO IONIZING RADIATION. Identifiers: Orphanet 275, MedGen C1865371, MONDO:0011225, OMIM 602450.

Submission:

Labcorp Genetics (formerly Invitae), Labcorp
Classification: Pathogenic for Athabaskan severe combined immunodeficiency. Last evaluated: 2021-05-13. Review status: criteria provided, single submitter. Criteria: Invitae Variant Classification Sherloc (09022015). Collection method: clinical testing. Allele origin: germline.
Comment: For these reasons, this variant has been classified as Pathogenic. This variant has not been reported in the literature in individuals with DCLRE1C-related conditions. This variant is a gross deletion of the genomic region encompassing exon(s) 5 of the DCLRE1C gene. This deletion is out-of-frame, and is expected to create a premature translational stop signal and result in an absent or disrupted protein product. Loss-of-function variants in DCLRE1C are known to be pathogenic (PMID: 21664875, 26123418).

Literature cited by the submitters: PubMed 21664875; PubMed 26123418.

NC_000010.10:g.(?_14978527)_(14978602_?)del

Gene: DCLRE1C (DNA cross-link repair 1C; minus strand). Cytogenetic location: 10p13.
Variant type: Deletion.
Identifiers: ClinVar variation 1452686 (VCV001452686.6).